The following is an entry in ClinVar:

NM_001267550.2(TTN):c.97434C>A (p.Asn32478Lys)

Genes: TTN-AS1 (TTN antisense RNA 1; plus strand), TTN (titin; minus strand). Cytogenetic location: 2q31.2.
Variant type: single nucleotide variant.
Coding change: c.97434C>A on transcript NM_001267550.2 (MANE Select); coding-DNA position 97434, C replaced by A.
Protein change: p.Asn32478Lys; replaces asparagine 32478 with lysine.
Molecular consequence: missense variant. On other transcripts: non-coding transcript variant (1).
Genome position (GRCh38, 1-based): chr2:178,542,322, G>T on the plus strand (C>A on the coding strand, the complement: TTN is on the minus strand). VCF-style: chr2-178542322-G-T. GRCh37 (hg19) VCF-style: chr2-179407049-G-T.
Other names: c.92511C>A, p.Asn30837Lys (NM_001256850.1); c.70239C>A, p.Asn23413Lys (NM_003319.4); c.89730C>A, p.Asn29910Lys (NM_133378.4); c.70614C>A, p.Asn23538Lys (NM_133432.3); c.70815C>A, p.Asn23605Lys (NM_133437.4); short protein forms N29910K, N32478K, N23538K, N23605K, N30837K, N23413K.
Identifiers: ClinVar variation 192141 (VCV000192141.1), dbSNP rs786205295, ClinGen allele CA238453.

ClinVar aggregate classification (germline): Likely benign (1 of 4 stars; one submission).

Allele frequency attached by ClinVar (database versions not stated): gnomAD exomes below 0.00001.
gnomAD v4.1: 2 of 1,613,102 alleles (0.00012%); highest among the groups gnomAD compares: Non-Finnish European, 0.00017%; no homozygotes.

Submission:

Biesecker Lab/Clinical Genomics Section, National Institutes of Health
Classification: Likely benign. Last evaluated: 2013-06-24. Review status: criteria provided, single submitter. Criteria: Ng et al. (Circ Cardiovasc Genet. 2013). Collection method: research. Allele origin: unknown. Observed: 2 variant alleles. Study: ClinSeq.
Comment: The study set was not selected for affection status in relation to any cancer. Pathogenicity categories were based on literature curation. See Pubmed ID:23861362 for details.

Medical sequencing